The following is an entry in ClinVar:

NM_015338.6(ASXL1):c.3416C>G (p.Thr1139Arg)

Gene: ASXL1 (ASXL transcriptional regulator 1; plus strand). Cytogenetic location: 20q11.21.
Variant type: single nucleotide variant.
Coding change: c.3416C>G on transcript NM_015338.6 (MANE Select); coding-DNA position 3416, C replaced by G.
Protein change: p.Thr1139Arg; replaces threonine 1139 with arginine.
Molecular consequence: missense variant.
Genome position (GRCh38, 1-based): chr20:32,436,128, C>G. VCF-style: chr20-32436128-C-G. GRCh37 (hg19) VCF-style: chr20-31023931-C-G.
Other names: c.3233C>G, p.Thr1078Arg (NM_001363734.1); short protein forms T1078R, T1139R.
Identifiers: ClinVar variation 2963784 (VCV002963784.5), dbSNP rs371545683, ClinGen allele CA408563015.

ClinVar aggregate classification (germline): Uncertain significance. Review status: criteria provided, multiple submitters, no conflicts (2 of 4 stars). 2 submissions from 2 submitters: Uncertain significance (2). Last evaluated 2025-10-28.

Conditions:
Inborn genetic diseases. Identifiers: MedGen C0950123, MeSH D030342.

gnomAD v4.1: 6 of 1,614,200 alleles (0.00037%); highest among the groups gnomAD compares: South Asian, 0.0011%; no homozygotes.

Submissions (2):

Ambry Genetics
Classification: Uncertain significance for Inborn genetic diseases. Last evaluated: 2025-10-28. Review status: criteria provided, single submitter. Criteria: Ambry Variant Classification Scheme 2023. Collection method: clinical testing. Allele origin: germline.

Labcorp Genetics (formerly Invitae), Labcorp
Classification: Uncertain significance. Last evaluated: 2023-11-27. Review status: criteria provided, single submitter. Criteria: Invitae Variant Classification Sherloc (09022015). Collection method: clinical testing. Allele origin: germline.
Comment: This sequence change replaces threonine, which is neutral and polar, with arginine, which is basic and polar, at codon 1139 of the ASXL1 protein (p.Thr1139Arg). This variant is present in population databases (no rsID available, gnomAD no frequency). This variant has not been reported in the literature in individuals affected with ASXL1-related conditions. An algorithm developed to predict the effect of missense changes on protein structure and function (PolyPhen-2) suggests that this variant is likely to be tolerated. In summary, the available evidence is currently insufficient to determine the role of this variant in disease. Therefore, it has been classified as a Variant of Uncertain Significance.